The following is an entry in ClinVar:

NM_005918.4(MDH2):c.796A>C (p.Met266Leu)

Gene: MDH2 (malate dehydrogenase 2; plus strand). Cytogenetic location: 7q11.23.
Variant type: single nucleotide variant.
Coding change: c.796A>C on transcript NM_005918.4 (MANE Select); coding-DNA position 796, A replaced by C.
Protein change: p.Met266Leu; replaces methionine 266 with leucine.
Molecular consequence: missense variant.
Genome position (GRCh38, 1-based): chr7:76,064,864, A>C. VCF-style: chr7-76064864-A-C. GRCh37 (hg19) VCF-style: chr7-75694182-A-C.
Other names: c.670A>C, p.Met224Leu (NM_001282403.2); c.475A>C, p.Met159Leu (NM_001282404.2); short protein forms M159L, M224L, M266L.
Identifiers: ClinVar variation 1761415 (VCV001761415.2), dbSNP rs782760951, ClinGen allele CA367768304.
Genomic context (GRCh38, chr7:76,064,864, plus strand): 5'-TCTGCCACCCTCTCCATGGCGTATGCCGGCGCCCGCTTTGTCTTCTCCCTTGTGGATGCA[A>C]TGAATGGAAAGGAAGGTGTTGTGGAATGTTCCTTCGTTAAGTCACAGGAAACGGAATGTA-3'
Protein context (NP_005909.2, residues 256-276): ARFVFSLVDA[Met266Leu]NGKEGVVECS

ClinVar aggregate classification (germline): Uncertain significance (1 of 4 stars; one submission).

Conditions:
Inborn genetic diseases. Identifiers: MedGen C0950123, MeSH D030342.

Submission:

Ambry Genetics
Classification: Uncertain significance for Inborn genetic diseases. Last evaluated: 2022-09-05. Review status: criteria provided, single submitter. Criteria: Ambry Variant Classification Scheme 2023. Collection method: clinical testing. Allele origin: germline.
Comment: The p.M266L variant (also known as c.796A>C), located in coding exon 8 of the MDH2 gene, results from an A to C substitution at nucleotide position 796. The methionine at codon 266 is replaced by leucine, an amino acid with highly similar properties. This amino acid position is conserved. In addition, this alteration is predicted to be tolerated by in silico analysis. Since supporting evidence is limited at this time, the clinical significance of this alteration remains unclear.